The following is an entry in ClinVar:

NM_144631.6(ZNF513):c.981G>T (p.Glu327Asp)

Gene: ZNF513 (zinc finger protein 513; minus strand). Cytogenetic location: 2p23.3.
Variant type: single nucleotide variant.
Coding change: c.981G>T on transcript NM_144631.6 (MANE Select); coding-DNA position 981, G replaced by T.
Protein change: p.Glu327Asp; replaces glutamic acid 327 with aspartic acid.
Molecular consequence: missense variant.
Genome position (GRCh38, 1-based): chr2:27,378,190, C>A on the plus strand (G>T on the coding strand, the complement: ZNF513 is on the minus strand). VCF-style: chr2-27378190-C-A. GRCh37 (hg19) VCF-style: chr2-27601057-C-A.
Other names: c.795G>T, p.Glu265Asp (NM_001201459.2); short protein forms E265D, E327D.
Identifiers: ClinVar variation 3196326 (VCV003196326.2), dbSNP rs764482406, ClinGen allele CA1577886.

ClinVar aggregate classification (germline): Uncertain significance. Review status: criteria provided, multiple submitters, no conflicts (2 of 4 stars). 2 submissions from 2 submitters: Uncertain significance (2). Last evaluated 2025-12-11.

Allele frequency attached by ClinVar (database versions not stated): ExAC 0.00002.
gnomAD v4.1: 3 of 1,610,582 alleles (0.00019%); highest among the groups gnomAD compares: East Asian, 0.0067%; no homozygotes.

Submissions (2):

Labcorp Genetics (formerly Invitae), Labcorp
Classification: Uncertain significance. Last evaluated: 2025-12-11. Review status: criteria provided, single submitter. Criteria: Invitae Variant Classification Sherloc (09022015). Collection method: clinical testing. Allele origin: germline.
Comment: This sequence change replaces glutamic acid, which is acidic and polar, with aspartic acid, which is acidic and polar, at codon 327 of the ZNF513 protein (p.Glu327Asp). This variant is present in population databases (rs764482406, gnomAD 0.02%). This variant has not been reported in the literature in individuals affected with ZNF513-related conditions. ClinVar contains an entry for this variant (Variation ID: 3196326). An algorithm developed to predict the effect of missense changes on protein structure and function (PolyPhen-2) suggests that this variant is likely to be tolerated. In summary, the available evidence is currently insufficient to determine the role of this variant in disease. Therefore, it has been classified as a Variant of Uncertain Significance.

Ambry Genetics
Classification: Uncertain significance. Last evaluated: 2024-02-22. Review status: criteria provided, single submitter. Criteria: Ambry Variant Classification Scheme 2023. Collection method: clinical testing. Allele origin: germline.